The following is an entry in ClinVar:

NM_000136.3(FANCC):c.1569T>G (p.Ile523Met)

Genes: AOPEP (aminopeptidase O (putative); plus strand), FANCC (FA complementation group C; minus strand). Cytogenetic location: 9q22.32.
Variant type: single nucleotide variant.
Coding change: c.1569T>G on transcript NM_000136.3 (MANE Select); coding-DNA position 1569, T replaced by G.
Protein change: p.Ile523Met; replaces isoleucine 523 with methionine.
Molecular consequence: missense variant.
Genome position (GRCh38, 1-based): chr9:95,101,815, A>C on the plus strand (T>G on the coding strand, the complement: FANCC is on the minus strand). VCF-style: chr9-95101815-A-C. GRCh37 (hg19) VCF-style: chr9-97864097-A-C.
Other names: c.1569T>G, p.Ile523Met (NM_001243743.2); short protein forms I523M.
Identifiers: ClinVar variation 4254376 (VCV004254376.1).

ClinVar aggregate classification (germline): Uncertain significance (1 of 4 stars; one submission).

Conditions:
Hereditary cancer-predisposing syndrome. Also called: Hereditary Cancer Syndrome; Hereditary neoplastic syndrome; Neoplastic Syndromes, Hereditary; Tumor predisposition. Identifiers: Orphanet 140162, MedGen C0027672, MeSH D009386, MONDO:0015356.

Submission:

Ambry Genetics
Classification: Uncertain significance for Hereditary cancer-predisposing syndrome. Last evaluated: 2025-06-20. Review status: criteria provided, single submitter. Criteria: Ambry Variant Classification Scheme 2023. Collection method: clinical testing. Allele origin: germline.
Comment: The p.I523M variant (also known as c.1569T>G), located in coding exon 14 of the FANCC gene, results from a T to G substitution at nucleotide position 1569. The isoleucine at codon 523 is replaced by methionine, an amino acid with highly similar properties. This amino acid position is conserved. In addition, this alteration is predicted to be tolerated by in silico analysis. Based on the available evidence, the clinical significance of this variant remains unclear.